The following is an entry in ClinVar:

NM_006080.3(SEMA3A):c.*3T>G

Gene: SEMA3A (semaphorin 3A; minus strand). Cytogenetic location: 7q21.11.
Variant type: single nucleotide variant.
Coding change: c.*3T>G on transcript NM_006080.3 (MANE Select); 3 bases downstream of the stop codon, T replaced by G.
Molecular consequence: 3 prime UTR variant.
Genome position (GRCh38, 1-based): chr7:83,961,368, A>C on the plus strand (T>G on the coding strand, the complement: SEMA3A is on the minus strand). VCF-style: chr7-83961368-A-C. GRCh37 (hg19) VCF-style: chr7-83590684-A-C.
Identifiers: ClinVar variation 3356813 (VCV003356813.1).
Genomic context (GRCh38, chr7:83,961,368, plus strand): 5'-TGTTTTTCCAGTTATTGTCTAGGCAAGTTTCTACTTGTTTGAGGTTTCTAGAGGTAATGC[A>C]GCTCAGACACTCCTGGGTGCCCTCTCAAATTCGTGGGTCCTCCTGTTTCTACCTTTCTTA-3'

ClinVar aggregate classification (germline): Likely benign (0 of 4 stars; one submission).

Conditions:
SEMA3A-related disorder. Also called: SEMA3A-related condition.

Submission:

PreventionGenetics, part of Exact Sciences
Classification: Likely benign for SEMA3A-related condition. Last evaluated: 2023-12-07. Review status: no assertion criteria provided. Collection method: clinical testing. Allele origin: germline.
Comment: This variant is classified as likely benign based on ACMG/AMP sequence variant interpretation guidelines (Richards et al. 2015 PMID: 25741868, with internal and published modifications).